The following is an entry in ClinVar:

NM_001018005.2(TPM1):c.90G>C (p.Lys30Asn)

Gene: TPM1 (tropomyosin 1; plus strand). Cytogenetic location: 15q22.2.
Variant type: single nucleotide variant.
Coding change: c.90G>C on transcript NM_001018005.2 (MANE Select); coding-DNA position 90, G replaced by C.
Protein change: p.Lys30Asn; replaces lysine 30 with asparagine.
Molecular consequence: missense variant. On other transcripts: non-coding transcript variant (11).
Genome position (GRCh38, 1-based): chr15:63,042,919, G>C. VCF-style: chr15-63042919-G-C. GRCh37 (hg19) VCF-style: chr15-63335118-G-C.
Other names: c.90G>C, p.Lys30Asn (NM_000366.6, NM_001018004.2, NM_001018006.2 and 24 more transcripts); short protein forms K30N.
Identifiers: ClinVar variation 3384362 (VCV003384362.2).
Genomic context (GRCh38, chr15:63,042,919, plus strand): 5'-GCTGAAGCTCGACAAGGAGAACGCCTTGGATCGAGCTGAGCAGGCGGAGGCCGACAAGAA[G>C]GCGGCGGAAGACAGGAGCAAGCAGGTCTGCGCCTCCCCGGCCCTGCGCCCGCGCCCAGAG-3'
Protein context (NP_001018005.1, residues 20-40): DRAEQAEADK[Lys30Asn]AAEDRSKQLE

ClinVar aggregate classification (germline): Uncertain significance. Review status: criteria provided, multiple submitters, no conflicts (2 of 4 stars). 2 submissions from 2 submitters: Uncertain significance (2). Last evaluated 2024-10-25.

Conditions:
Cardiovascular phenotype. Identifiers: MedGen CN230736.

Submissions (2):

Ambry Genetics
Classification: Uncertain significance for Cardiovascular phenotype. Last evaluated: 2024-10-25. Review status: criteria provided, single submitter. Criteria: Ambry Variant Classification Scheme 2023. Collection method: clinical testing. Allele origin: germline.
Comment: The p.K30N variant (also known as c.90G>C), located in coding exon 1 of the TPM1 gene, results from a G to C substitution at nucleotide position 90. The lysine at codon 30 is replaced by asparagine, an amino acid with similar properties. This amino acid position is conserved. In addition, the in silico prediction for this alteration is inconclusive. Based on the available evidence, the clinical significance of this variant remains unclear.

GeneDx
Classification: Uncertain significance. Last evaluated: 2024-06-07. Review status: criteria provided, single submitter. Criteria: GeneDx Variant Classification Process June 2021. Collection method: clinical testing. Allele origin: germline. Affected: yes.
Comment: Has not been previously published as pathogenic or benign to our knowledge; Not observed at significant frequency in large population cohorts (gnomAD); In silico analysis supports that this missense variant has a deleterious effect on protein structure/function